The following is an entry in ClinVar:

NM_015335.5(MED13L):c.435del (p.Trp145fs)

Gene: MED13L (mediator complex subunit 13L; minus strand). Cytogenetic location: 12q24.21.
Variant type: Deletion.
Coding change: c.435del on transcript NM_015335.5 (MANE Select); coding-DNA position 435, one base deleted (G; older notation c.435delG).
Protein change: p.Trp145fs; shifts the reading frame from tryptophan 145.
Molecular consequence: frameshift variant.
Genome position (GRCh38, 1-based): chr12:116,096,713, C deleted on the plus strand (G on the coding strand, the reverse complement: MED13L is on the minus strand); the first of 2 consecutive C bases (chr12:116,096,713-116,096,714); deleting either gives the same sequence. VCF-style (leftmost placement, unchanged base first): chr12-116096712-AC-A. GRCh37 (hg19) VCF-style: chr12-116534517-AC-A.
Other names: short protein forms W145fs.
Identifiers: ClinVar variation 4855574 (VCV004855574.1).

ClinVar aggregate classification (germline): Likely pathogenic (1 of 4 stars; one submission).

Conditions:
Cardiac anomalies - developmental delay - facial dysmorphism syndrome (MRFACD). Also called: Impaired intellectual development and distinctive facial features with or without cardiac defects; MED13L Syndrome. Identifiers: Orphanet 369891, MedGen C5192431, MONDO:0014773, OMIM 616789.

Submission:

3billion
Classification: Likely pathogenic for Cardiac anomalies - developmental delay - facial dysmorphism syndrome. Last evaluated: 2025-07-22. Review status: criteria provided, single submitter. Criteria: ACMG Guidelines, 2015. Collection method: clinical testing. Allele origin: germline. Affected: yes.
Comment: The variant is not observed in the gnomAD v4.1.0 dataset. Predicted Consequence/Location: Frameshift: predicted to result in a loss or disruption of normal protein function through nonsense-mediated decay (NMD) or protein truncation. Multiple pathogenic variants are reported downstream of the variant. Therefore, this variant is classified as Likely pathogenic according to the recommendation of ACMG/AMP guideline.